The following is an entry in ClinVar:

ClinVar aggregate classification (germline): Uncertain significance (1 of 4 stars; one submission).

Submission:

Labcorp Genetics (formerly Invitae), Labcorp
Classification: Uncertain significance. Last evaluated: 2021-05-03. Review status: criteria provided, single submitter. Criteria: Invitae Variant Classification Sherloc (09022015). Collection method: clinical testing. Allele origin: germline.
Comment: This variant is not present in population databases (ExAC no frequency). In summary, the available evidence is currently insufficient to determine the role of this variant in disease. Therefore, it has been classified as a Variant of Uncertain Significance. Algorithms developed to predict the effect of missense changes on protein structure and function output the following: SIFT: "Tolerated"; PolyPhen-2: "Benign"; Align-GVGD: "Class C0". The threonine amino acid residue is found in multiple mammalian species, suggesting that this missense change does not adversely affect protein function. These predictions have not been confirmed by published functional studies and their clinical significance is uncertain. This variant has not been reported in the literature in individuals with KIF11-related conditions. This sequence change replaces methionine with threonine at codon 961 of the KIF11 protein (p.Met961Thr). The methionine residue is moderately conserved and there is a moderate physicochemical difference between methionine and threonine.

NM_004523.4(KIF11):c.2882T>C (p.Met961Thr)

Gene: KIF11 (kinesin family member 11; plus strand). Cytogenetic location: 10q23.33.
Variant type: single nucleotide variant.
Coding change: c.2882T>C on transcript NM_004523.4 (MANE Select); coding-DNA position 2882, T replaced by C.
Protein change: p.Met961Thr; replaces methionine 961 with threonine.
Molecular consequence: missense variant.
Genome position (GRCh38, 1-based): chr10:92,649,946, T>C. VCF-style: chr10-92649946-T-C. GRCh37 (hg19) VCF-style: chr10-94409703-T-C.
Other names: short protein forms M961T.
Identifiers: ClinVar variation 1503217 (VCV001503217.8), dbSNP rs2135925700, ClinGen allele CA377806134.